The following is an entry in ClinVar:

NM_000059.4(BRCA2):c.631+1330T>C

Gene: BRCA2 (BRCA2 DNA repair associated; plus strand). Cytogenetic location: 13q13.1.
Variant type: single nucleotide variant.
Coding change: c.631+1330T>C on transcript NM_000059.4 (MANE Select); 1330 bases into the intron after coding-DNA position 631, T replaced by C.
Molecular consequence: intron variant.
Genome position (GRCh38, 1-based): chr13:32,327,943, T>C. VCF-style: chr13-32327943-T-C. GRCh37 (hg19) VCF-style: chr13-32902080-T-C.
Other names: IVS 7+1330T>C.
Identifiers: ClinVar variation 209658 (VCV000209658.1), dbSNP rs115548886, ClinGen allele CA276627.

ClinVar aggregate classification (germline): Benign (3 of 4 stars; one submission).

Conditions:
Breast-ovarian cancer, familial, susceptibility to, 2 (BROVCA2). Also called: BRCA2 Hereditary Breast and Ovarian Cancer. Identifiers: Orphanet 145, MedGen C2675520, MONDO:0012933, OMIM 612555. Disease mechanism: loss of function.

Allele frequency attached by ClinVar (database versions not stated): gnomAD 0.01393 and 0.01491; 1000 Genomes Project 0.01577; TOPMed 0.01592; 1000 Genomes Project 30x 0.01702.
gnomAD v4.1: 2,096 of 152,004 alleles (1.4%); highest among the groups gnomAD compares: African/African-American, 4.8%; 62 homozygotes.

Submission:

Evidence-based Network for the Interpretation of Germline Mutant Alleles (ENIGMA)
Classification: Benign for Breast-ovarian cancer, familial 2. Last evaluated: 2015-01-12. Review status: reviewed by expert panel. Criteria: ENIGMA BRCA1/2 Classification Criteria (2015). Collection method: curation. Allele origin: germline.
Comment: Class 1 not pathogenic based on frequency >1% in an outbred sampleset. Frequency 0.05285 (African), derived from 1000 genomes (2012-04-30).